The following is an entry in ClinVar:

NM_004092.4(ECHS1):c.10C>T (p.Leu4=)

Genes: ECHS1 (enoyl-CoA hydratase, short chain 1; minus strand), LOC130005023 (ATAC-STARR-seq lymphoblastoid silent region 2977; plus strand). Cytogenetic location: 10q26.3.
Variant type: single nucleotide variant.
Coding change: c.10C>T on transcript NM_004092.4 (MANE Select); coding-DNA position 10, C replaced by T.
Protein change: p.Leu4=; no amino-acid change (leucine 4 retained).
Molecular consequence: synonymous variant.
Genome position (GRCh38, 1-based): chr10:133,373,324, G>A on the plus strand (C>T on the coding strand, the complement: ECHS1 is on the minus strand). VCF-style: chr10-133373324-G-A. GRCh37 (hg19) VCF-style: chr10-135186828-G-A.
Identifiers: ClinVar variation 381881 (VCV000381881.38), dbSNP rs375893006, ClinGen allele CA5765919.

ClinVar aggregate classification (germline): Benign/Likely benign. Review status: criteria provided, multiple submitters, no conflicts (2 of 4 stars). 5 submissions from 5 submitters: Benign (1); Likely benign (3). 1 of the submissions does not count toward it. Last evaluated 2026-08-01.

Conditions:
ECHS1-related disorder. Also called: ECHS1-related condition.

Allele frequency attached by ClinVar (database versions not stated): ESP Exome Variant Server 0.00026; TOPMed 0.00055; gnomAD 0.00061 and 0.00063; gnomAD exomes 0.00065; ExAC 0.00018.
gnomAD v4.1: 1,306 of 1,503,184 alleles (0.087%); highest among the groups gnomAD compares: Non-Finnish European, 0.11%; no homozygotes.

Submissions (5):

CeGaT Center for Human Genetics Tuebingen
Classification: Likely benign. Last evaluated: 2026-08-01. Review status: criteria provided, single submitter. Criteria: CeGaT Center For Human Genetics Tuebingen Variant Classification Criteria Version 2. Collection method: clinical testing. Allele origin: germline. Affected: yes. Observed: 6 variant alleles.
Comment: ECHS1: BP4, BP7

Labcorp Genetics (formerly Invitae), Labcorp
Classification: Benign. Last evaluated: 2026-02-03. Review status: criteria provided, single submitter. Criteria: Invitae Variant Classification Sherloc (09022015). Collection method: clinical testing. Allele origin: germline.

Blueprint Genetics
Classification: Likely benign. Last evaluated: 2024-11-04. Review status: criteria provided, single submitter. Criteria: ACMG Guidelines, 2015. Collection method: clinical testing. Allele origin: germline.

GeneDx
Classification: Likely benign. Last evaluated: 2020-04-03. Review status: criteria provided, single submitter. Criteria: GeneDx Variant Classification Process June 2021. Collection method: clinical testing. Allele origin: germline. Affected: yes.

PreventionGenetics, part of Exact Sciences
Classification: Likely benign for ECHS1-related condition. Last evaluated: 2019-05-01. Review status: no assertion criteria provided. Collection method: clinical testing. Allele origin: germline. Not counted in ClinVar's aggregate classification.
Comment: This variant is classified as likely benign based on ACMG/AMP sequence variant interpretation guidelines (Richards et al. 2015 PMID: 25741868, with internal and published modifications).